The following is an entry in ClinVar:

NM_017570.5(OPLAH):c.1156+4A>G

Gene: OPLAH (5-oxoprolinase, ATP-hydrolysing; minus strand). Cytogenetic location: 8q24.3.
Variant type: single nucleotide variant.
Coding change: c.1156+4A>G on transcript NM_017570.5 (MANE Select); 4 bases into the intron after coding-DNA position 1156, A replaced by G.
Molecular consequence: intron variant.
Genome position (GRCh38, 1-based): chr8:144,057,852, T>C on the plus strand (A>G on the coding strand, the complement: OPLAH is on the minus strand). VCF-style: chr8-144057852-T-C. GRCh37 (hg19) VCF-style: chr8-145112755-T-C.
Identifiers: ClinVar variation 2048941 (VCV002048941.29), dbSNP rs145866799, ClinGen allele CA4931984.

ClinVar aggregate classification (germline): Benign/Likely benign. Review status: criteria provided, multiple submitters, no conflicts (2 of 4 stars). 2 submissions from 2 submitters: Benign (1); Likely benign (1). Last evaluated 2026-01-27.

Conditions:
5-Oxoprolinase deficiency (OPLAHD). Also called: 5-OXOPROLINURIA DUE TO 5-OXOPROLINASE DEFICIENCY. Identifiers: Orphanet 33572, MedGen C0268525, MONDO:0009825, OMIM 260005, HP:0040142.

Allele frequency attached by ClinVar (database versions not stated): gnomAD exomes 0.00014; ExAC 0.00047; ESP Exome Variant Server 0.00096; gnomAD 0.00149; TOPMed 0.00194; 1000 Genomes Project 30x 0.00250; 1000 Genomes Project 0.00260.
gnomAD v4.1: 448 of 1,610,710 alleles (0.028%); highest among the groups gnomAD compares: African/African-American, 0.5%; 7 homozygotes.

Submissions (4):

Labcorp Genetics (formerly Invitae), Labcorp
Classification: Benign for 5-Oxoprolinase deficiency. Last evaluated: 2026-01-27. Review status: criteria provided, single submitter. Criteria: Invitae Variant Classification Sherloc (09022015). Collection method: clinical testing. Allele origin: germline.

CeGaT Center for Human Genetics Tuebingen
Classification: Likely benign. Last evaluated: 2023-09-01. Review status: criteria provided, single submitter. Criteria: CeGaT Center For Human Genetics Tuebingen Variant Classification Criteria Version 2. Collection method: clinical testing. Allele origin: germline. Affected: yes. Observed: 1 variant allele.
Comment: OPLAH: BP4

Dr. Peter K. Rogan Lab, Western University
No classification provided (evidence only). Condition: Familial cancer of breast. Review status: no classification provided. Collection method: in vitro. Allele origin: not applicable. Functional consequence: retained intron. Not counted in ClinVar's aggregate classification.

Dr. Peter K. Rogan Lab, Western University
No classification provided (evidence only). Condition: Uterine corpus endometrial carcinoma. Review status: no classification provided. Collection method: in vitro. Allele origin: not applicable. Functional consequence: retained intron. Not counted in ClinVar's aggregate classification.